The following is an entry in ClinVar:

ClinVar aggregate classification (germline): Uncertain significance (1 of 4 stars; one submission).

Submission:

Labcorp Genetics (formerly Invitae), Labcorp
Classification: Uncertain significance. Last evaluated: 2022-03-10. Review status: criteria provided, single submitter. Criteria: Invitae Variant Classification Sherloc (09022015). Collection method: clinical testing. Allele origin: germline.
Comment: This sequence change replaces proline, which is neutral and non-polar, with arginine, which is basic and polar, at codon 481 of the TRMT5 protein (p.Pro481Arg). In summary, the available evidence is currently insufficient to determine the role of this variant in disease. Therefore, it has been classified as a Variant of Uncertain Significance. Algorithms developed to predict the effect of missense changes on protein structure and function output the following: SIFT: "Tolerated"; PolyPhen-2: "Benign"; Align-GVGD: "Class C0". The arginine amino acid residue is found in multiple mammalian species, which suggests that this missense change does not adversely affect protein function. This variant has not been reported in the literature in individuals affected with TRMT5-related conditions. This variant is not present in population databases (gnomAD no frequency).

NM_020810.3(TRMT5):c.1442C>G (p.Pro481Arg)

Gene: TRMT5 (tRNA methyltransferase 5; minus strand). Cytogenetic location: 14q23.1.
Variant type: single nucleotide variant.
Coding change: c.1442C>G on transcript NM_020810.3 (MANE Select); coding-DNA position 1442, C replaced by G.
Protein change: p.Pro481Arg; replaces proline 481 with arginine.
Molecular consequence: missense variant.
Genome position (GRCh38, 1-based): chr14:60,975,477, G>C on the plus strand (C>G on the coding strand, the complement: TRMT5 is on the minus strand). VCF-style: chr14-60975477-G-C. GRCh37 (hg19) VCF-style: chr14-61442195-G-C.
Other names: c.1526C>G, p.Pro509Arg (NM_001350253.1); c.1523C>G, p.Pro508Arg (NM_001350254.1); short protein forms P509R, P481R, P508R.
Identifiers: ClinVar variation 2090302 (VCV002090302.4), dbSNP rs2502984755, ClinGen allele CA389918661.
Genomic context (GRCh38, chr14:60,975,477, plus strand): 5'-AGGAATTAGTTACAATTGAATGGCAAGGTTTACATTTAATTTCCCAGAAACTGCTCACCT[G>C]GATTTCTGGTCTGGTTCTTGTAGAGGACAGAGGCAGGAATCTGAAACGTGATGCACAGCA-3'
Protein context (NP_065861.3, residues 471-491): SVLYKNQTRN[Pro481Arg]ENHEDPPLKR